The following is an entry in ClinVar:

NM_001167.4(XIAP):c.1234G>T (p.Ala412Ser)

Gene: XIAP (X-linked inhibitor of apoptosis; plus strand). Cytogenetic location: Xq25.
Variant type: single nucleotide variant.
Coding change: c.1234G>T on transcript NM_001167.4 (MANE Select); coding-DNA position 1234, G replaced by T.
Protein change: p.Ala412Ser; replaces alanine 412 with serine.
Molecular consequence: missense variant. On other transcripts: non-coding transcript variant (2).
Genome position (GRCh38, 1-based): chrX:123,900,627, G>T. VCF-style: chrX-123900627-G-T. GRCh37 (hg19) VCF-style: chrX-123034477-G-T.
Other names: c.1234G>T, p.Ala412Ser (NM_001204401.2, NM_001378590.1, NM_001378591.1 and 1 more transcripts); short protein forms A412S.
Identifiers: ClinVar variation 1492316 (VCV001492316.6), dbSNP rs2148107469, ClinGen allele CA414127403.

ClinVar aggregate classification (germline): Uncertain significance (1 of 4 stars; one submission).

Conditions:
X-linked lymphoproliferative disease due to XIAP deficiency. Also called: XIAP DEFICIENCY; XIAP-Related Lymphoproliferative Disease, X-Linked. Identifiers: Orphanet 2442, Orphanet 538934, MedGen C1845076, MONDO:0010385, OMIM 300635.

Submission:

Labcorp Genetics (formerly Invitae), Labcorp
Classification: Uncertain significance for X-linked lymphoproliferative disease due to XIAP deficiency. Last evaluated: 2021-08-30. Review status: criteria provided, single submitter. Criteria: Invitae Variant Classification Sherloc (09022015). Collection method: clinical testing. Allele origin: germline.
Comment: In summary, the available evidence is currently insufficient to determine the role of this variant in disease. Therefore, it has been classified as a Variant of Uncertain Significance. Algorithms developed to predict the effect of missense changes on protein structure and function output the following: SIFT: "Not Available"; PolyPhen-2: "Benign"; Align-GVGD: "Not Available". The serine amino acid residue is found in multiple mammalian species, which suggests that this missense change does not adversely affect protein function. This variant has not been reported in the literature in individuals affected with XIAP-related conditions. This variant is not present in population databases (ExAC no frequency). This sequence change replaces alanine with serine at codon 412 of the XIAP protein (p.Ala412Ser). The alanine residue is moderately conserved and there is a moderate physicochemical difference between alanine and serine.